The following is an entry in ClinVar:

ClinVar aggregate classification (germline): Uncertain significance. Review status: criteria provided, multiple submitters, no conflicts (2 of 4 stars). 10 submissions from 9 submitters: Uncertain significance (10). Last evaluated 2026-01-28.

Conditions:
Colorectal cancer, susceptibility to, 12 (CRCS12). Also called: COLORECTAL CANCER, SUSCEPTIBILITY TO, ON CHROMOSOME 12q24. Identifiers: Orphanet 220460, MedGen C3554460, MONDO:0014038, OMIM 615083.
Facial dysmorphism-immunodeficiency-livedo-short stature syndrome. Also called: Facial dysmorphism, immunodeficiency, livedo, and short stature; FILS syndrome. Identifiers: Orphanet 352712, MedGen C3554576, MONDO:0014058, OMIM 615139.
Intrauterine growth retardation, metaphyseal dysplasia, adrenal hypoplasia congenita, genital anomalies, and immunodeficiency. Also called: IMAGEI SYNDROME. Identifiers: MedGen C5193036, MONDO:0032684, OMIM 618336.
Hereditary cancer-predisposing syndrome. Also called: Tumor predisposition; Neoplastic Syndromes, Hereditary; Hereditary Cancer Syndrome; Hereditary neoplastic syndrome. Identifiers: Orphanet 140162, MedGen C0027672, MeSH D009386, MONDO:0015356.

Allele frequency attached by ClinVar (database versions not stated): ExAC 0.00004; gnomAD exomes 0.00006 and 0.00020; gnomAD 0.00009 and 0.00010; TOPMed 0.00009; ESP Exome Variant Server 0.00015.
gnomAD v4.1: 299 of 1,614,016 alleles (0.019%); highest among the groups gnomAD compares: Non-Finnish European, 0.024%; no homozygotes.

Submissions (10):

Labcorp Genetics (formerly Invitae), Labcorp
Classification: Uncertain significance. Last evaluated: 2026-01-28. Review status: criteria provided, single submitter. Criteria: Invitae Variant Classification Sherloc (09022015). Collection method: clinical testing. Allele origin: germline.
Comment: This sequence change replaces serine, which is neutral and polar, with proline, which is neutral and non-polar, at codon 925 of the POLE protein (p.Ser925Pro). This variant is present in population databases (rs141552148, gnomAD 0.01%). This variant has not been reported in the literature in individuals affected with POLE-related conditions. ClinVar contains an entry for this variant (Variation ID: 240444). Invitae Evidence Modeling of protein sequence and biophysical properties (such as structural, functional, and spatial information, amino acid conservation, physicochemical variation, residue mobility, and thermodynamic stability) indicates that this missense variant is not expected to disrupt POLE protein function with a negative predictive value of 80%. In summary, the available evidence is currently insufficient to determine the role of this variant in disease. Therefore, it has been classified as a Variant of Uncertain Significance.

Center for Genomic Medicine, Rigshospitalet, Copenhagen University Hospital
Classification: Uncertain significance. Last evaluated: 2025-12-29. Review status: criteria provided, single submitter. Criteria: ACMG Guidelines, 2015. Collection method: clinical testing. Allele origin: germline.

St. Jude Molecular Pathology, St. Jude Children's Research Hospital
Classification: Uncertain significance for Colorectal cancer, susceptibility to, 12. Last evaluated: 2025-06-17. Review status: criteria provided, single submitter. Criteria: St. Jude Assertion Criteria 2020. Collection method: clinical testing. Allele origin: germline.
Comment: The POLE c.2773T>C p.(Ser925Pro) missense change has a maximum subpopulation frequency of 0.01% in gnomAD v2.1.1. The in silico tool REVEL predicts a benign effect on protein function, but to our knowledge this prediction has not been confirmed by functional studies. To our knowledge, this variant has not been reported in the literature in individuals with POLE-related disease. In summary, the evidence currently available is insufficient to determine the clinical significance of this variant. It has therefore been classified as of uncertain significance.

Ambry Genetics
Classification: Uncertain significance for Hereditary cancer-predisposing syndrome. Last evaluated: 2024-12-04. Review status: criteria provided, single submitter. Criteria: Ambry Variant Classification Scheme 2023. Collection method: clinical testing. Allele origin: germline.
Comment: The p.S925P variant (also known as c.2773T>C), located in coding exon 24 of the POLE gene, results from a T to C substitution at nucleotide position 2773. The serine at codon 925 is replaced by proline, an amino acid with similar properties. This amino acid position is well conserved in available vertebrate species. In addition, the in silico prediction for this alteration is inconclusive. Based on the available evidence, the clinical significance of this variant remains unclear.

Fulgent Genetics
Classification: Uncertain significance for Colorectal cancer, susceptibility to, 12; Facial dysmorphism-immunodeficiency-livedo-short stature syndrome; Intrauterine growth retardation, metaphyseal dysplasia, adrenal hypoplasia congenita, genital anomalies, and immunodeficiency. Last evaluated: 2024-05-26. Review status: criteria provided, single submitter. Criteria: ACMG Guidelines, 2015. Collection method: clinical testing. Allele origin: germline.

GeneDx
Classification: Uncertain significance. Last evaluated: 2024-02-12. Review status: criteria provided, single submitter. Criteria: GeneDx Variant Classification Process June 2021. Collection method: clinical testing. Allele origin: germline. Affected: yes.
Comment: In silico analysis supports that this missense variant has a deleterious effect on protein structure/function; Has not been previously published as pathogenic or benign to our knowledge; This variant is associated with the following publications: (PMID: 20951805)

Institute for Clinical Genetics, University Hospital TU Dresden, University Hospital TU Dresden
Classification: Uncertain significance. Last evaluated: 2021-11-03. Review status: criteria provided, single submitter. Criteria: ACMG Guidelines, 2015. Collection method: clinical testing. Allele origin: germline.

Genetic Services Laboratory, University of Chicago
Classification: Uncertain significance. Last evaluated: 2020-09-11. Review status: criteria provided, single submitter. Criteria: ACMG Guidelines, 2015. Collection method: clinical testing. Allele origin: germline. Affected: no.
Comment: DNA sequence analysis of the POLE gene demonstrated a sequence change, c.2773T>C, in exon 24 that results in an amino acid change, p.Ser925Pro. This sequence change does not appear to have been previously described in patients with POLE-related disorders and has been described in the gnomAD database with a low population frequency of 0.0060% (dbSNP rs141552148). The p.Ser925Pro change affects a highly conserved amino acid residue located in a domain of the POLE protein that is known to be functional. In-silico pathogenicity prediction tools (SIFT, PolyPhen2, Align GVGD, REVEL) provide contradictory results for the p.Ser925Pro substitution. Due to these contrasting evidences and the lack of functional studies, the clinical significance of the p.Ser925Pro change remains unknown at this time.

Fulgent Genetics
Classification: Uncertain significance for Colorectal cancer, susceptibility to, 12; Facial dysmorphism-immunodeficiency-livedo-short stature syndrome. Last evaluated: 2018-10-31. Review status: criteria provided, single submitter. Criteria: ACMG Guidelines, 2015. Collection method: clinical testing. Allele origin: unknown.

Quest Diagnostics Nichols Institute San Juan Capistrano
Classification: Uncertain significance. Last evaluated: 2018-02-21. Review status: criteria provided, single submitter. Criteria: Quest Diagnostics criteria. Collection method: clinical testing. Allele origin: germline.

NM_006231.4(POLE):c.2773T>C (p.Ser925Pro)

Gene: POLE (DNA polymerase epsilon, catalytic subunit; minus strand). Cytogenetic location: 12q24.33.
Variant type: single nucleotide variant.
Coding change: c.2773T>C on transcript NM_006231.4 (MANE Select); coding-DNA position 2773, T replaced by C.
Protein change: p.Ser925Pro; replaces serine 925 with proline.
Molecular consequence: missense variant.
Genome position (GRCh38, 1-based): chr12:132,661,618, A>G on the plus strand (T>C on the coding strand, the complement: POLE is on the minus strand). VCF-style: chr12-132661618-A-G. GRCh37 (hg19) VCF-style: chr12-133238204-A-G.
Other names: short protein forms S925P.
Identifiers: ClinVar variation 240444 (VCV000240444.37), dbSNP rs141552148, ClinGen allele CA6893447.